The following is an entry in ClinVar:

NM_003737.4(DCHS1):c.2672C>T (p.Ser891Phe)

Gene: DCHS1 (dachsous cadherin-related 1; minus strand). Cytogenetic location: 11p15.4.
Variant type: single nucleotide variant.
Coding change: c.2672C>T on transcript NM_003737.4 (MANE Select); coding-DNA position 2672, C replaced by T.
Protein change: p.Ser891Phe; replaces serine 891 with phenylalanine.
Molecular consequence: missense variant.
Genome position (GRCh38, 1-based): chr11:6,632,840, G>A on the plus strand (C>T on the coding strand, the complement: DCHS1 is on the minus strand). VCF-style: chr11-6632840-G-A. GRCh37 (hg19) VCF-style: chr11-6654071-G-A.
Other names: short protein forms S891F.
Identifiers: ClinVar variation 3500046 (VCV003500046.3).

ClinVar aggregate classification (germline): Uncertain significance. Review status: criteria provided, multiple submitters, no conflicts (2 of 4 stars). 2 submissions from 2 submitters: Uncertain significance (2). Last evaluated 2024-11-24.

Conditions:
Inborn genetic diseases. Identifiers: MedGen C0950123, MeSH D030342.

gnomAD v4.1: 1 of 1,614,028 alleles (0.000062%); highest among the groups gnomAD compares: Non-Finnish European, 0.000085%; no homozygotes.

Submissions (2):

Ambry Genetics
Classification: Uncertain significance for Inborn genetic diseases. Last evaluated: 2024-11-24. Review status: criteria provided, single submitter. Criteria: Ambry Variant Classification Scheme 2023. Collection method: clinical testing. Allele origin: germline.

Labcorp Genetics (formerly Invitae), Labcorp
Classification: Uncertain significance. Last evaluated: 2024-08-31. Review status: criteria provided, single submitter. Criteria: Invitae Variant Classification Sherloc (09022015). Collection method: clinical testing. Allele origin: germline.
Comment: This sequence change replaces serine, which is neutral and polar, with phenylalanine, which is neutral and non-polar, at codon 891 of the DCHS1 protein (p.Ser891Phe). This variant is not present in population databases (gnomAD no frequency). This variant has not been reported in the literature in individuals affected with DCHS1-related conditions. Invitae Evidence Modeling of protein sequence and biophysical properties (such as structural, functional, and spatial information, amino acid conservation, physicochemical variation, residue mobility, and thermodynamic stability) indicates that this missense variant is not expected to disrupt DCHS1 protein function with a negative predictive value of 80%. In summary, the available evidence is currently insufficient to determine the role of this variant in disease. Therefore, it has been classified as a Variant of Uncertain Significance.